The following is an entry in ClinVar:

ClinVar aggregate classification (germline): Uncertain significance (1 of 4 stars; one submission).

Conditions:
Hereditary cancer-predisposing syndrome. Also called: Neoplastic Syndromes, Hereditary; Tumor predisposition; Hereditary Cancer Syndrome; Hereditary neoplastic syndrome. Identifiers: Orphanet 140162, MedGen C0027672, MeSH D009386, MONDO:0015356.

Submission:

Ambry Genetics
Classification: Uncertain significance for Hereditary cancer-predisposing syndrome. Last evaluated: 2024-07-07. Review status: criteria provided, single submitter. Criteria: Ambry Variant Classification Scheme 2023. Collection method: clinical testing. Allele origin: germline.
Comment: The p.K323T variant (also known as c.968A>C), located in coding exon 7 of the POLD1 gene, results from an A to C substitution at nucleotide position 968. The lysine at codon 323 is replaced by threonine, an amino acid with similar properties. This amino acid position is conserved. In addition, the in silico prediction for this alteration is inconclusive. Based on the available evidence, the clinical significance of this variant remains unclear.

NM_002691.4(POLD1):c.968A>C (p.Lys323Thr)

Gene: POLD1 (DNA polymerase delta 1, catalytic subunit; plus strand). Cytogenetic location: 19q13.33.
Variant type: single nucleotide variant.
Coding change: c.968A>C on transcript NM_002691.4 (MANE Select); coding-DNA position 968, A replaced by C.
Protein change: p.Lys323Thr; replaces lysine 323 with threonine.
Molecular consequence: missense variant. On other transcripts: non-coding transcript variant (1).
Genome position (GRCh38, 1-based): chr19:50,402,739, A>C. VCF-style: chr19-50402739-A-C. GRCh37 (hg19) VCF-style: chr19-50905996-A-C.
Other names: c.968A>C, p.Lys323Thr (NM_001256849.1, NM_001308632.1); short protein forms K323T.
Identifiers: ClinVar variation 3421944 (VCV003421944.1).